The following is an entry in ClinVar:

ClinVar aggregate classification (germline): Uncertain significance (1 of 4 stars; one submission).

Submission:

Labcorp Genetics (formerly Invitae), Labcorp
Classification: Uncertain significance. Last evaluated: 2025-10-31. Review status: criteria provided, single submitter. Criteria: Invitae Variant Classification Sherloc (09022015). Collection method: clinical testing. Allele origin: germline.
Comment: This sequence change creates a premature translational stop signal (p.Glu467*) in the FN1 gene. It is expected to result in an absent or disrupted protein product. However, the current clinical and genetic evidence is not sufficient to establish whether loss-of-function variants in FN1 cause disease. This variant is not present in population databases (gnomAD no frequency). This variant has not been reported in the literature in individuals affected with FN1-related conditions. Algorithms developed to predict the effect of sequence changes on RNA splicing suggest that this variant may disrupt the consensus splice site. In summary, the available evidence is currently insufficient to determine the role of this variant in disease. Therefore, it has been classified as a Variant of Uncertain Significance.

NM_212482.4(FN1):c.1399G>T (p.Glu467Ter)

Gene: FN1 (fibronectin 1; minus strand). Cytogenetic location: 2q35.
Variant type: single nucleotide variant.
Coding change: c.1399G>T on transcript NM_212482.4 (MANE Select); coding-DNA position 1399, G replaced by T.
Protein change: p.Glu467Ter; replaces glutamic acid 467 with a stop codon.
Molecular consequence: nonsense.
Genome position (GRCh38, 1-based): chr2:215,422,238, C>A on the plus strand (G>T on the coding strand, the complement: FN1 is on the minus strand). VCF-style: chr2-215422238-C-A. GRCh37 (hg19) VCF-style: chr2-216286961-C-A.
Other names: c.1399G>T, p.Glu467Ter (NM_001306129.2, NM_001306130.2, NM_001306131.2 and 14 more transcripts); short protein forms E467*.
Identifiers: ClinVar variation 4726239 (VCV004726239.1).
Genomic context (GRCh38, chr2:215,422,238, plus strand): 5'-GCTTATCCCACTGATCTCCAATGCGGTACATGACCCCTTCATTGGTTGTGCAGATTTCCT[C>A]GTGGGCTGTTTGGAAATGGATAAGAAATGCACTTGATAAATGATCACCAGGTCTAAACAT-3'